The following is an entry in ClinVar:

NM_001031725.6(DDX59):c.764C>T (p.Ala255Val)

Gene: DDX59 (DEAD-box helicase 59; minus strand). Cytogenetic location: 1q32.1.
Variant type: single nucleotide variant.
Coding change: c.764C>T on transcript NM_001031725.6 (MANE Select); coding-DNA position 764, C replaced by T.
Protein change: p.Ala255Val; replaces alanine 255 with valine.
Molecular consequence: missense variant.
Genome position (GRCh38, 1-based): chr1:200,665,977, G>A on the plus strand (C>T on the coding strand, the complement: DDX59 is on the minus strand). VCF-style: chr1-200665977-G-A. GRCh37 (hg19) VCF-style: chr1-200635105-G-A.
Other names: c.764C>T, p.Ala255Val (NM_001320181.2, NM_001320182.1, NM_001349799.3 and 5 more transcripts); short protein forms A255V.
Identifiers: ClinVar variation 2416847 (VCV002416847.2), dbSNP rs757692026, ClinGen allele CA1318447.

ClinVar aggregate classification (germline): Uncertain significance (1 of 4 stars; one submission).

Allele frequency attached by ClinVar (database versions not stated): gnomAD exomes below 0.00001; TOPMed below 0.00001; ExAC 0.00001; gnomAD 0.00001.
gnomAD v4.1: 4 of 1,612,068 alleles (0.00025%); highest among the groups gnomAD compares: Non-Finnish European, 0.00034%; no homozygotes.

Submission:

Labcorp Genetics (formerly Invitae), Labcorp
Classification: Uncertain significance. Last evaluated: 2022-05-29. Review status: criteria provided, single submitter. Criteria: Invitae Variant Classification Sherloc (09022015). Collection method: clinical testing. Allele origin: germline.
Comment: This sequence change replaces alanine, which is neutral and non-polar, with valine, which is neutral and non-polar, at codon 255 of the DDX59 protein (p.Ala255Val). This variant is present in population databases (rs757692026, gnomAD 0.0009%). This variant has not been reported in the literature in individuals affected with DDX59-related conditions. Algorithms developed to predict the effect of missense changes on protein structure and function output the following: SIFT: "Not Available"; PolyPhen-2: "Benign"; Align-GVGD: "Not Available". The valine amino acid residue is found in multiple mammalian species, which suggests that this missense change does not adversely affect protein function. In summary, the available evidence is currently insufficient to determine the role of this variant in disease. Therefore, it has been classified as a Variant of Uncertain Significance.